The following is an entry in ClinVar:

NM_004046.6(ATP5F1A):c.842A>G (p.Asp281Gly)

Gene: ATP5F1A (ATP synthase F1 subunit alpha; minus strand). Cytogenetic location: 18q21.1.
Variant type: single nucleotide variant.
Coding change: c.842A>G on transcript NM_004046.6 (MANE Select); coding-DNA position 842, A replaced by G.
Protein change: p.Asp281Gly; replaces aspartic acid 281 with glycine.
Molecular consequence: missense variant.
Genome position (GRCh38, 1-based): chr18:46,087,450, T>C on the plus strand (A>G on the coding strand, the complement: ATP5F1A is on the minus strand). VCF-style: chr18-46087450-T-C. GRCh37 (hg19) VCF-style: chr18-43667416-T-C.
Other names: c.692A>G, p.Asp231Gly (NM_001001935.3, NM_001257335.2); c.842A>G, p.Asp281Gly (NM_001001937.2); c.776A>G, p.Asp259Gly (NM_001257334.2); short protein forms D281G, D231G, D259G.
Identifiers: ClinVar variation 5009685 (VCV005009685.2).

ClinVar aggregate classification (germline): Uncertain significance (1 of 4 stars; one submission).

Submission:

GeneDx
Classification: Uncertain significance. Last evaluated: 2026-10-06. Review status: criteria provided, single submitter. Criteria: GeneDx Variant Classification Process June 2021. Collection method: clinical testing. Allele origin: germline.
Comment: Not observed at significant frequency in large population cohorts (gnomAD); In silico analysis supports that this missense variant has a deleterious effect on protein structure/function; Has not been previously published as pathogenic or benign to our knowledge